The following is an entry in ClinVar:

NM_153033.5(KCTD7):c.14C>G (p.Thr5Arg)

Genes: KCTD7 (potassium channel tetramerization domain containing 7; plus strand), LOC129998533 (ATAC-STARR-seq lymphoblastoid silent region 18210; plus strand). Cytogenetic location: 7q11.21.
Variant type: single nucleotide variant.
Coding change: c.14C>G on transcript NM_153033.5 (MANE Select); coding-DNA position 14, C replaced by G.
Protein change: p.Thr5Arg; replaces threonine 5 with arginine.
Molecular consequence: missense variant.
Genome position (GRCh38, 1-based): chr7:66,629,078, C>G. VCF-style: chr7-66629078-C-G. GRCh37 (hg19) VCF-style: chr7-66094065-C-G.
Other names: c.14C>G, p.Thr5Arg (NM_001167961.2); short protein forms T5R.
Identifiers: ClinVar variation 469099 (VCV000469099.2), dbSNP rs1346070646, ClinGen allele CA367695155.
Genomic context (GRCh38, chr7:66,629,078, plus strand): 5'-CCGCCTCCGCCCGCCCGAAGCCGCGCCCACTGCCCAGAGCCAGAGGGATGGTGGTAGTCA[C>G]GGGGCGGGAGCCAGACAGCCGTCGTCAGGACGGTGCCATGTCCAGCTCTGACGCCGAAGA-3'
Protein context (NP_694578.1, residues 1-15): MVVV[Thr5Arg]GREPDSRRQD

ClinVar aggregate classification (germline): Uncertain significance (1 of 4 stars; one submission).

Conditions:
Progressive myoclonic epilepsy type 3. Also called: EPILEPSY, PROGRESSIVE MYOCLONIC, 3, WITH OR WITHOUT INTRACELLULAR INCLUSIONS; CEROID LIPOFUSCINOSIS, NEURONAL, 14; KCTD7-Related Progressive Myoclonic Epilepsy; EPILEPSY, PROGRESSIVE MYOCLONIC, 3, WITHOUT INTRACELLULAR INCLUSIONS. Identifiers: Orphanet 263516, MedGen C2673257, MONDO:0012721, OMIM 611726.

Submission:

Labcorp Genetics (formerly Invitae), Labcorp
Classification: Uncertain significance for Progressive myoclonic epilepsy type 3. Last evaluated: 2021-09-01. Review status: criteria provided, single submitter. Criteria: Invitae Variant Classification Sherloc (09022015). Collection method: clinical testing. Allele origin: germline.
Comment: This sequence change replaces threonine with arginine at codon 5 of the KCTD7 protein (p.Thr5Arg). The threonine residue is moderately conserved and there is a moderate physicochemical difference between threonine and arginine. This variant is not present in population databases (ExAC no frequency). This variant has not been reported in the literature in individuals affected with KCTD7-related conditions. Algorithms developed to predict the effect of missense changes on protein structure and function are either unavailable or do not agree on the potential impact of this missense change (SIFT: "Deleterious"; PolyPhen-2: "Benign"; Align-GVGD: "Class C0"). In summary, the available evidence is currently insufficient to determine the role of this variant in disease. Therefore, it has been classified as a Variant of Uncertain Significance.